The following is an entry in ClinVar:

NM_000083.3(CLCN1):c.2330del (p.Gly777fs)

Gene: CLCN1 (chloride voltage-gated channel 1; plus strand). Cytogenetic location: 7q34.
Variant type: Deletion.
Coding change: c.2330del on transcript NM_000083.3 (MANE Select); coding-DNA position 2330, one base deleted (G; older notation c.2330delG).
Protein change: p.Gly777fs; shifts the reading frame from glycine 777.
Molecular consequence: frameshift variant. On other transcripts: non-coding transcript variant (1).
Genome position (GRCh38, 1-based): chr7:143,346,624, G deleted; the last of 3 consecutive G bases (chr7:143,346,622-143,346,624); deleting any one gives the same sequence. VCF-style (leftmost placement, unchanged base first): chr7-143346621-TG-T. GRCh37 (hg19) VCF-style: chr7-143043714-TG-T.
Other names: short protein forms G777fs.
Identifiers: ClinVar variation 21042 (VCV000021042.5), dbSNP rs80356707, ClinGen allele CA341543.

ClinVar aggregate classification (germline): Pathogenic. Review status: criteria provided, single submitter (1 of 4 stars). 2 submissions from 2 submitters: Pathogenic (1). 1 of the submissions does not count toward it.

Conditions:
Congenital myotonia, autosomal recessive form. Also called: BECKER DISEASE; Becker Generalized Myotonia; myotonia congenita, autosomal recessive. Identifiers: Orphanet 614, MedGen C0751360, MONDO:0009715, OMIM 255700.
Congenital myotonia, autosomal dominant form (THD). Also called: THOMSEN DISEASE; Myotonia congenita autosomal dominant. Identifiers: Orphanet 614, MedGen C2936781, MONDO:0008055, OMIM 160800.
Batten-Turner congenital myopathy. Also called: Myotonia congenita; Congenital myotonia. Identifiers: Orphanet 206973, MedGen C0027127, MONDO:0100468, OMIM 255300.

Submissions (2):

Juno Genomics, Hangzhou Juno Genomics, Inc
Classification: Pathogenic for Congenital myotonia, autosomal dominant form; Congenital myotonia, autosomal recessive form. Review status: criteria provided, single submitter. Criteria: ACMG Guidelines, 2015. Collection method: clinical testing. Allele origin: germline.
Comment: Absent from controls (or at extremely low frequency if recessive) in Genome Aggregation Database.;Null variant in a gene where loss of function (LOF) is a known mechanism of disease.;For recessive disorders, detected in trans with a pathogenic variant.

GeneReviews
No classification provided. Condition: Batten-Turner congenital myopathy. Review status: no classification provided. Collection method: literature only. Allele origin: unknown. Not counted in ClinVar's aggregate classification.

Literature cited by the submitters: PubMed 16629771 (cited by GeneReviews); PubMed 17097617 (cited by GeneReviews); PubMed 20301529 (cited by GeneReviews); NCBI Bookshelf NBK1355 (cited by GeneReviews).